The following is an entry in ClinVar:

NM_014915.3(ANKRD26):c.739A>T (p.Arg247Trp)

Gene: ANKRD26 (ankyrin repeat domain 26; minus strand). Cytogenetic location: 10p12.1.
Variant type: single nucleotide variant.
Coding change: c.739A>T on transcript NM_014915.3 (MANE Select); coding-DNA position 739, A replaced by T.
Protein change: p.Arg247Trp; replaces arginine 247 with tryptophan.
Molecular consequence: missense variant.
Genome position (GRCh38, 1-based): chr10:27,082,804, T>A on the plus strand (A>T on the coding strand, the complement: ANKRD26 is on the minus strand). VCF-style: chr10-27082804-T-A. GRCh37 (hg19) VCF-style: chr10-27371733-T-A.
Other names: c.739A>T, p.Arg247Trp (NM_001256053.2); short protein forms R247W.
Identifiers: ClinVar variation 299758 (VCV000299758.6), dbSNP rs765170468, ClinGen allele CA10631577.
Genomic context (GRCh38, chr10:27,082,804, plus strand): 5'-AACAGTTTCTTTTCTCTGTATTCCTTTAAATATATTTTTAAAAATCTGTAAAATACTACC[T>A]GCTTAAGGAGTCTTCAGAGCTTTCATCCACTATTAAAGAGAAAAGTAAAACACACTTTAA-3'
Protein context (NP_055730.2, residues 237-257): VDESSEDSLS[Arg247Trp]LSGKPGVDDS

ClinVar aggregate classification (germline): Uncertain significance. Review status: criteria provided, multiple submitters, no conflicts (2 of 4 stars). 2 submissions from 2 submitters: Uncertain significance (2). Last evaluated 2024-04-21.

Conditions:
Thrombocytopenia 2 (THC2). Also called: ANKRD26-Related Thrombocytopenia. Identifiers: Orphanet 268322, MedGen C1861185, MONDO:0008555, OMIM 188000.

Allele frequency attached by ClinVar (database versions not stated): TOPMed 0.00001; gnomAD 0.00003.
gnomAD v4.1: 7 of 1,586,388 alleles (0.00044%); highest among the groups gnomAD compares: Non-Finnish European, 0.0006%; no homozygotes.

Submissions (2):

GeneDx
Classification: Uncertain significance. Last evaluated: 2024-04-21. Review status: criteria provided, single submitter. Criteria: GeneDx Variant Classification Process June 2021. Collection method: clinical testing. Allele origin: germline. Affected: yes.
Comment: Not observed at significant frequency in large population cohorts (gnomAD); In silico analysis supports that this missense variant has a deleterious effect on protein structure/function; In silico analysis supports a deleterious effect on splicing; Has not been previously published as pathogenic or benign to our knowledge

Illumina Laboratory Services, Illumina
Classification: Uncertain significance for Thrombocytopenia 2. Last evaluated: 2018-01-13. Review status: criteria provided, single submitter. Criteria: ICSL Variant Classification Criteria 13 December 2019. Collection method: clinical testing. Allele origin: germline.